The following is an entry in ClinVar:

ClinVar aggregate classification (germline): Pathogenic (1 of 4 stars; one submission).

Submission:

GeneDx
Classification: Pathogenic. Last evaluated: 2022-06-27. Review status: criteria provided, single submitter. Criteria: GeneDx Variant Classification Process June 2021. Collection method: clinical testing. Allele origin: germline. Affected: yes.
Comment: Not observed at significant frequency in large population cohorts (gnomAD); In-frame deletion of 1 amino acid in a non-repeat region; In silico analysis supports a deleterious effect on protein structure/function; Has not been previously published as pathogenic or benign to our knowledge

NM_001039591.3(USP9X):c.517CTT[1] (p.Leu174del)

Gene: USP9X (ubiquitin specific peptidase 9 X-linked; plus strand). Cytogenetic location: Xp11.4.
Variant type: Microsatellite.
Coding change: c.517CTT[1] on transcript NM_001039591.3 (MANE Select); one copy of the 3-base unit CTT starting at c.517; the reference has two copies in a row; one copy, 3 bases deleted.
Protein change: p.Leu174del; deletes leucine 174.
Molecular consequence: inframe deletion.
Genome position (GRCh38, 1-based): chrX:41,136,888-41,136,890, CTT deleted; deleting any 3 consecutive bases within chrX:41,136,885-41,136,890 gives the same sequence; the position shown is the placement nearest the transcript's 3' end. VCF-style (leftmost placement, unchanged base first): chrX-41136884-ACTT-A. GRCh37 (hg19) VCF-style: chrX-40996137-ACTT-A.
Other names: c.517CTT[1], p.Leu174del (NM_001039590.3); c.520_522delCTT (NM_001039590.2); short protein forms L174del.
Identifiers: ClinVar variation 372979 (VCV000372979.4), dbSNP rs1057518114, ClinGen allele CA16043269.